The following is an entry in ClinVar:

ClinVar aggregate classification (germline): Pathogenic (1 of 4 stars; one submission).

Conditions:
Hereditary cancer-predisposing syndrome. Also called: Neoplastic Syndromes, Hereditary; Tumor predisposition; Hereditary Cancer Syndrome; Hereditary neoplastic syndrome. Identifiers: Orphanet 140162, MedGen C0027672, MeSH D009386, MONDO:0015356.

Submission:

Ambry Genetics
Classification: Pathogenic for Hereditary cancer-predisposing syndrome. Last evaluated: 2025-11-21. Review status: criteria provided, single submitter. Criteria: Ambry Variant Classification Scheme 2023. Collection method: clinical testing. Allele origin: germline.
Comment: The c.3072delA pathogenic mutation, located in coding exon 19 of the ATM gene, results from a deletion of one nucleotide at nucleotide position 3072, causing a translational frameshift with a predicted alternate stop codon (p.W1026Gfs*3). This variant is considered to be rare based on population cohorts in the Genome Aggregation Database (gnomAD). This alteration is expected to result in loss of function by premature protein truncation or nonsense-mediated mRNA decay. As such, this alteration is interpreted as a disease-causing mutation.

NM_000051.4(ATM):c.3072del (p.Trp1026fs)

Gene: ATM (ATM serine/threonine kinase; plus strand). Cytogenetic location: 11q22.3.
Variant type: Deletion.
Coding change: c.3072del on transcript NM_000051.4 (MANE Select); coding-DNA position 3072, one base deleted (A; older notation c.3072delA).
Protein change: p.Trp1026fs; shifts the reading frame from tryptophan 1026.
Molecular consequence: frameshift variant.
Genome position (GRCh38, 1-based): chr11:108,271,401, A deleted. VCF-style (leftmost placement, unchanged base first): chr11-108271400-CA-C. GRCh37 (hg19) VCF-style: chr11-108142127-CA-C.
Other names: c.3072del, p.Trp1026fs (NM_001351834.2); short protein forms W1026fs.
Identifiers: ClinVar variation 4618481 (VCV004618481.1).
Genomic context (GRCh38, chr11:108,271,400, plus strand): 5'-GCAATATGGACTCTGAGAACACAAGGGATGCTCAAGGACAGTTTCTTACAGTAATTGGAG[CA>C]TTTTGGTAGGTACAGTCTATTTTGTGGTCCTATTTTTCTTTTGCTATCTGTGGATACGAA-3'